The following is an entry in ClinVar:

ClinVar aggregate classification (germline): Uncertain significance (1 of 4 stars; one submission).

gnomAD v4.1: 2 of 1,208,814 alleles (0.00017%); highest among the groups gnomAD compares: African/African-American, 0.0016%; no homozygotes.

Submission:

Labcorp Genetics (formerly Invitae), Labcorp
Classification: Uncertain significance. Last evaluated: 2023-11-10. Review status: criteria provided, single submitter. Criteria: Invitae Variant Classification Sherloc (09022015). Collection method: clinical testing. Allele origin: germline.
Comment: This sequence change replaces arginine, which is basic and polar, with cysteine, which is neutral and slightly polar, at codon 81 of the KMT2B protein (p.Arg81Cys). This variant is not present in population databases (gnomAD no frequency). This variant has not been reported in the literature in individuals affected with KMT2B-related conditions. Advanced modeling of protein sequence and biophysical properties (such as structural, functional, and spatial information, amino acid conservation, physicochemical variation, residue mobility, and thermodynamic stability) performed at Invitae indicates that this missense variant is not expected to disrupt KMT2B protein function with a negative predictive value of 80%. In summary, the available evidence is currently insufficient to determine the role of this variant in disease. Therefore, it has been classified as a Variant of Uncertain Significance.

NM_014727.3(KMT2B):c.241C>T (p.Arg81Cys)

Gene: KMT2B (lysine methyltransferase 2B; plus strand). Cytogenetic location: 19q13.12.
Variant type: single nucleotide variant.
Coding change: c.241C>T on transcript NM_014727.3 (MANE Select); coding-DNA position 241, C replaced by T.
Protein change: p.Arg81Cys; replaces arginine 81 with cysteine.
Molecular consequence: missense variant.
Genome position (GRCh38, 1-based): chr19:35,718,259, C>T. VCF-style: chr19-35718259-C-T. GRCh37 (hg19) VCF-style: chr19-36209161-C-T.
Other names: short protein forms R81C.
Identifiers: ClinVar variation 2792232 (VCV002792232.3), dbSNP rs2513306837, ClinGen allele CA405375277.
Genomic context (GRCh38, chr19:35,718,259, plus strand): 5'-CCCGGGGAGGACACGGCCCTGCTCCGTTTGCTGGGGCTCCGCCGGGGCCTGCGCCGGCTC[C>T]GCCGCCTGTGGGCCGGCCCGCGGGTCCAGCGGGGCCGGGGACGGGGTCGGGGCCGGGGCT-3'
Protein context (NP_055542.1, residues 71-91): LGLRRGLRRL[Arg81Cys]RLWAGPRVQR